The following is an entry in ClinVar:

ClinVar aggregate classification (germline): Uncertain significance. Review status: criteria provided, multiple submitters, no conflicts (2 of 4 stars). 2 submissions from 2 submitters: Uncertain significance (2). Last evaluated 2021-10-08.

Conditions:
Hereditary spastic paraplegia 48. Also called: Spastic paraplegia 48; SPASTIC PARAPLEGIA 48, AUTOSOMAL RECESSIVE. Identifiers: Orphanet 306511, MedGen C3150901, MONDO:0013342, OMIM 613647.
Hereditary spastic paraplegia. Also called: Familial spastic paraparesis. Identifiers: Orphanet 685, MedGen C0037773, MONDO:0019064. Disease mechanism: loss of function.

Allele frequency attached by ClinVar (database versions not stated): TOPMed 0.00001.
gnomAD v4.1: 3 of 1,613,196 alleles (0.00019%); highest among the groups gnomAD compares: Non-Finnish European, 0.00025%; no homozygotes.

Submissions (2):

Genome Diagnostics Laboratory, The Hospital for Sick Children
Classification: Uncertain significance for Hereditary spastic paraplegia. Last evaluated: 2021-10-08. Review status: criteria provided, single submitter. Criteria: ACMG Guidelines, 2015. Collection method: clinical testing. Allele origin: germline. Affected: yes.

Labcorp Genetics (formerly Invitae), Labcorp
Classification: Uncertain significance for Hereditary spastic paraplegia 48. Last evaluated: 2019-11-08. Review status: criteria provided, single submitter. Criteria: Invitae Variant Classification Sherloc (09022015). Collection method: clinical testing. Allele origin: germline.
Comment: This sequence change replaces aspartic acid with asparagine at codon 625 of the AP5Z1 protein (p.Asp625Asn). The aspartic acid residue is weakly conserved and there is a small physicochemical difference between aspartic acid and asparagine. This variant is not present in population databases (ExAC no frequency). This variant has not been reported in the literature in individuals with AP5Z1-related conditions. Algorithms developed to predict the effect of missense changes on protein structure and function are either unavailable or do not agree on the potential impact of this missense change (SIFT: "Deleterious"; PolyPhen-2: "Benign"; Align-GVGD: "Class C0"). In summary, the available evidence is currently insufficient to determine the role of this variant in disease. Therefore, it has been classified as a Variant of Uncertain Significance.

NM_014855.3(AP5Z1):c.1873G>A (p.Asp625Asn)

Gene: AP5Z1 (adaptor related protein complex 5 subunit zeta 1; plus strand). Cytogenetic location: 7p22.1.
Variant type: single nucleotide variant.
Coding change: c.1873G>A on transcript NM_014855.3 (MANE Select); coding-DNA position 1873, G replaced by A.
Protein change: p.Asp625Asn; replaces aspartic acid 625 with asparagine.
Molecular consequence: missense variant. On other transcripts: non-coding transcript variant (1).
Genome position (GRCh38, 1-based): chr7:4,790,526, G>A. VCF-style: chr7-4790526-G-A. GRCh37 (hg19) VCF-style: chr7-4830157-G-A.
Other names: c.1405G>A, p.Asp469Asn (NM_001364858.1); short protein forms D469N, D625N.
Identifiers: ClinVar variation 962072 (VCV000962072.12), dbSNP rs1781728649, ClinGen allele CA366664159.
Genomic context (GRCh38, chr7:4,790,526, plus strand): 5'-AGTTCTCAGTTCCTGGCCCTGTGTACGCTGAAACCCTCCCTGGTGGTGGAGCTGGCAAGA[G>A]ACCTGCTGGAGTTCCTGGGCAGCGTGAATGGTCTCTGCAGCAGGGCGAGCCTCGTCACCA-3'
Protein context (NP_055670.1, residues 615-635): KPSLVVELAR[Asp625Asn]LLEFLGSVNG